The following is an entry in ClinVar:

ClinVar aggregate classification (germline): Uncertain significance. Review status: criteria provided, multiple submitters, no conflicts (2 of 4 stars). 2 submissions from 2 submitters: Uncertain significance (2). Last evaluated 2025-08-31.

Conditions:
Inborn genetic diseases. Identifiers: MedGen C0950123, MeSH D030342.

Allele frequency attached by ClinVar (database versions not stated): TOPMed below 0.00001; gnomAD 0.00001.
gnomAD v4.1: 4 of 1,614,196 alleles (0.00025%); highest among the groups gnomAD compares: Non-Finnish European, 0.00034%; no homozygotes.

Submissions (2):

Ambry Genetics
Classification: Uncertain significance for Inborn genetic diseases. Last evaluated: 2025-08-31. Review status: criteria provided, single submitter. Criteria: Ambry Variant Classification Scheme 2023. Collection method: clinical testing. Allele origin: germline.

Labcorp Genetics (formerly Invitae), Labcorp
Classification: Uncertain significance. Last evaluated: 2024-04-08. Review status: criteria provided, single submitter. Criteria: Invitae Variant Classification Sherloc (09022015). Collection method: clinical testing. Allele origin: germline.
Comment: This sequence change replaces tyrosine, which is neutral and polar, with asparagine, which is neutral and polar, at codon 2328 of the KMT2A protein (p.Tyr2328Asn). This variant is not present in population databases (gnomAD no frequency). This variant has not been reported in the literature in individuals affected with KMT2A-related conditions. ClinVar contains an entry for this variant (Variation ID: 1917745). Advanced modeling of protein sequence and biophysical properties (such as structural, functional, and spatial information, amino acid conservation, physicochemical variation, residue mobility, and thermodynamic stability) performed at Invitae indicates that this missense variant is not expected to disrupt KMT2A protein function with a negative predictive value of 95%. In summary, the available evidence is currently insufficient to determine the role of this variant in disease. Therefore, it has been classified as a Variant of Uncertain Significance.

NM_001197104.2(KMT2A):c.6982T>A (p.Tyr2328Asn)

Gene: KMT2A (lysine methyltransferase 2A; plus strand). Cytogenetic location: 11q23.3.
Variant type: single nucleotide variant.
Coding change: c.6982T>A on transcript NM_001197104.2 (MANE Select); coding-DNA position 6982, T replaced by A.
Protein change: p.Tyr2328Asn; replaces tyrosine 2328 with asparagine.
Molecular consequence: missense variant.
Genome position (GRCh38, 1-based): chr11:118,502,874, T>A. VCF-style: chr11-118502874-T-A. GRCh37 (hg19) VCF-style: chr11-118373589-T-A.
Other names: c.7072T>A, p.Tyr2358Asn (NM_001412597.1); c.6973T>A, p.Tyr2325Asn (NM_005933.4); short protein forms Y2325N, Y2358N, Y2328N.
Identifiers: ClinVar variation 1917745 (VCV001917745.6), dbSNP rs1950522616, ClinGen allele CA382803866.